The following is an entry in ClinVar:

ClinVar aggregate classification (germline): Uncertain significance (1 of 4 stars; one submission).

Conditions:
Short-rib thoracic dysplasia 10 with or without polydactyly (SRTD10). Identifiers: Orphanet 474, MedGen C3810175, MONDO:0014284, OMIM 615630.
Retinitis pigmentosa 71 (RP71). Identifiers: Orphanet 791, MedGen C4225342, MONDO:0014618, OMIM 616394.

Allele frequency attached by ClinVar (database versions not stated): ExAC 0.00001.

Submission:

Labcorp Genetics (formerly Invitae), Labcorp
Classification: Uncertain significance for Retinitis pigmentosa 71; Short-rib thoracic dysplasia 10 with or without polydactyly. Last evaluated: 2024-04-29. Review status: criteria provided, single submitter. Criteria: Invitae Variant Classification Sherloc (09022015). Collection method: clinical testing. Allele origin: germline.
Comment: This sequence change falls in intron 16 of the IFT172 gene. It does not directly change the encoded amino acid sequence of the IFT172 protein. It affects a nucleotide within the consensus splice site. This variant is present in population databases (rs771744568, gnomAD 0.006%). This variant has not been reported in the literature in individuals affected with IFT172-related conditions. ClinVar contains an entry for this variant (Variation ID: 1426425). Variants that disrupt the consensus splice site are a relatively common cause of aberrant splicing (PMID: 17576681, 9536098). Algorithms developed to predict the effect of sequence changes on RNA splicing suggest that this variant may disrupt the consensus splice site. In summary, the available evidence is currently insufficient to determine the role of this variant in disease. Therefore, it has been classified as a Variant of Uncertain Significance.

Literature cited by the submitters: PubMed 17576681; PubMed 9536098.

NM_015662.3(IFT172):c.1692+6T>A

Gene: IFT172 (intraflagellar transport 172; minus strand). Cytogenetic location: 2p23.3.
Variant type: single nucleotide variant.
Coding change: c.1692+6T>A on transcript NM_015662.3 (MANE Select); 6 bases into the intron after coding-DNA position 1692, T replaced by A.
Molecular consequence: intron variant.
Genome position (GRCh38, 1-based): chr2:27,470,922, A>T on the plus strand (T>A on the coding strand, the complement: IFT172 is on the minus strand). VCF-style: chr2-27470922-A-T. GRCh37 (hg19) VCF-style: chr2-27693789-A-T.
Identifiers: ClinVar variation 1426425 (VCV001426425.6), dbSNP rs771744568, ClinGen allele CA1580568.